The following is an entry in ClinVar:

NM_017547.4(FOXRED1):c.1278G>A (p.Pro426=)

Gene: FOXRED1 (FAD dependent oxidoreductase domain containing 1; plus strand). Cytogenetic location: 11q24.2.
Variant type: single nucleotide variant.
Coding change: c.1278G>A on transcript NM_017547.4 (MANE Select); coding-DNA position 1278, G replaced by A.
Protein change: p.Pro426=; no amino-acid change (proline 426 retained).
Molecular consequence: synonymous variant. On other transcripts: non-coding transcript variant (2).
Genome position (GRCh38, 1-based): chr11:126,277,506, G>A. VCF-style: chr11-126277506-G-A. GRCh37 (hg19) VCF-style: chr11-126147401-G-A.
Identifiers: ClinVar variation 511953 (VCV000511953.7), dbSNP rs775435796, ClinGen allele CA230563121.

ClinVar aggregate classification (germline): Likely benign. Review status: criteria provided, multiple submitters, no conflicts (2 of 4 stars). 2 submissions from 2 submitters: Likely benign (2). Last evaluated 2024-02-23.

Allele frequency attached by ClinVar (database versions not stated): TOPMed 0.00001.

Submissions (2):

Labcorp Genetics (formerly Invitae), Labcorp
Classification: Likely benign. Last evaluated: 2024-02-23. Review status: criteria provided, single submitter. Criteria: Invitae Variant Classification Sherloc (09022015). Collection method: clinical testing. Allele origin: germline.

GeneDx
Classification: Likely benign. Last evaluated: 2018-01-12. Review status: criteria provided, single submitter. Criteria: GeneDx Variant Classification (06012015). Collection method: clinical testing. Allele origin: germline. Affected: yes.
Comment: This variant is considered likely benign or benign based on one or more of the following criteria: it is a conservative change, it occurs at a poorly conserved position in the protein, it is predicted to be benign by multiple in silico algorithms, and/or has population frequency not consistent with disease.